The following is an entry in ClinVar:

NM_000321.3(RB1):c.1208A>G (p.Tyr403Cys)

Gene: RB1 (RB transcriptional corepressor 1; plus strand). Cytogenetic location: 13q14.2.
Variant type: single nucleotide variant.
Coding change: c.1208A>G on transcript NM_000321.3 (MANE Select); coding-DNA position 1208, A replaced by G.
Protein change: p.Tyr403Cys; replaces tyrosine 403 with cysteine.
Molecular consequence: missense variant.
Genome position (GRCh38, 1-based): chr13:48,373,485, A>G. VCF-style: chr13-48373485-A-G. GRCh37 (hg19) VCF-style: chr13-48947621-A-G.
Other names: c.1208A>G, p.Tyr403Cys (NM_001407165.1, NM_001407166.1); short protein forms Y403C.
Identifiers: ClinVar variation 2143001 (VCV002143001.6), dbSNP rs2542195117, ClinGen allele CA388161681.

ClinVar aggregate classification (germline): Uncertain significance. Review status: criteria provided, multiple submitters, no conflicts (2 of 4 stars). 2 submissions from 2 submitters: Uncertain significance (2). Last evaluated 2023-02-10.

Conditions:
Hereditary cancer-predisposing syndrome. Also called: Neoplastic Syndromes, Hereditary; Tumor predisposition; Hereditary neoplastic syndrome; Hereditary Cancer Syndrome. Identifiers: Orphanet 140162, MedGen C0027672, MeSH D009386, MONDO:0015356.
Retinoblastoma (RB1). Also called: RETINOBLASTOMA, SOMATIC. Identifiers: Orphanet 790, MedGen C0035335, MeSH D012175, MONDO:0008380, OMIM 180200, HP:0009919. Disease mechanism: loss of function. Inheritance: Both sporadic and heritable forms are tested..

Submissions (2):

Labcorp Genetics (formerly Invitae), Labcorp
Classification: Uncertain significance for Retinoblastoma. Last evaluated: 2023-02-10. Review status: criteria provided, single submitter. Criteria: Invitae Variant Classification Sherloc (09022015). Collection method: clinical testing. Allele origin: germline.
Comment: In summary, the available evidence is currently insufficient to determine the role of this variant in disease. Therefore, it has been classified as a Variant of Uncertain Significance. Advanced modeling of protein sequence and biophysical properties (such as structural, functional, and spatial information, amino acid conservation, physicochemical variation, residue mobility, and thermodynamic stability) performed at Invitae indicates that this missense variant is expected to disrupt RB1 protein function. This variant has not been reported in the literature in individuals affected with RB1-related conditions. This variant is not present in population databases (gnomAD no frequency). This sequence change replaces tyrosine, which is neutral and polar, with cysteine, which is neutral and slightly polar, at codon 403 of the RB1 protein (p.Tyr403Cys).

Ambry Genetics
Classification: Uncertain significance for Hereditary cancer-predisposing syndrome. Last evaluated: 2023-01-07. Review status: criteria provided, single submitter. Criteria: Ambry Variant Classification Scheme 2023. Collection method: clinical testing. Allele origin: germline.
Comment: The p.Y403C variant (also known as c.1208A>G), located in coding exon 12 of the RB1 gene, results from an A to G substitution at nucleotide position 1208. The tyrosine at codon 403 is replaced by cysteine, an amino acid with highly dissimilar properties. This amino acid position is conserved. In addition, this alteration is predicted to be deleterious by in silico analysis. Since supporting evidence is limited at this time, the clinical significance of this alteration remains unclear.